The following is an entry in ClinVar:

ClinVar aggregate classification (germline): Benign/Likely benign. Review status: criteria provided, multiple submitters, no conflicts (2 of 4 stars). 7 submissions from 7 submitters: Benign (3); Likely benign (4). Last evaluated 2026-02-02.

Conditions:
Autoinflammatory syndrome. Identifiers: Orphanet 93665, MedGen C3890737, MONDO:0019751.
Chédiak-Higashi syndrome (CHS). Also called: Chediak-Higashi Syndrome. Identifiers: Orphanet 167, MedGen C0007965, MONDO:0008963, OMIM 214500.

Allele frequency attached by ClinVar (database versions not stated): gnomAD 0.00350; TOPMed 0.00395; ESP Exome Variant Server 0.00415; 1000 Genomes Project 0.00639; 1000 Genomes Project 30x 0.00640.
gnomAD v4.1: 1,115 of 1,613,520 alleles (0.069%); highest among the groups gnomAD compares: African/African-American, 1.3%; 7 homozygotes.

Submissions (7):

Labcorp Genetics (formerly Invitae), Labcorp
Classification: Benign for Chédiak-Higashi syndrome. Last evaluated: 2026-02-02. Review status: criteria provided, single submitter. Criteria: Invitae Variant Classification Sherloc (09022015). Collection method: clinical testing. Allele origin: germline.

Blueprint Genetics
Classification: Likely benign. Last evaluated: 2024-11-25. Review status: criteria provided, single submitter. Criteria: ACMG Guidelines, 2015. Collection method: clinical testing. Allele origin: germline.

Mayo Clinic Laboratories, Mayo Clinic
Classification: Benign. Last evaluated: 2024-08-29. Review status: criteria provided, single submitter. Criteria: ACMG Guidelines, 2015. Collection method: clinical testing. Allele origin: germline. Observed: 11 variant alleles.
Comment: BS1, BS2, BP4

Genome Diagnostics Laboratory, The Hospital for Sick Children
Classification: Likely benign for Autoinflammatory syndrome. Last evaluated: 2022-04-26. Review status: criteria provided, single submitter. Criteria: ACMG Guidelines, 2015. Collection method: clinical testing. Allele origin: germline. Affected: yes.

GeneDx
Classification: Likely benign. Last evaluated: 2020-02-13. Review status: criteria provided, single submitter. Criteria: GeneDx Variant Classification Process June 2021. Collection method: clinical testing. Allele origin: germline. Affected: yes.

Breakthrough Genomics
Classification: Likely benign. Review status: criteria provided, single submitter. Criteria: ACMG Guidelines, 2015. Collection method: not provided. Allele origin: germline. Inheritance: Autosomal recessive inheritance. Affected: yes.

PreventionGenetics, part of Exact Sciences
Classification: Benign. Review status: criteria provided, single submitter. Criteria: ACMG Guidelines, 2015. Collection method: clinical testing. Allele origin: germline.

NM_000081.4(LYST):c.5291G>C (p.Gly1764Ala)

Gene: LYST (lysosomal trafficking regulator; minus strand). Cytogenetic location: 1q42.3.
Variant type: single nucleotide variant.
Coding change: c.5291G>C on transcript NM_000081.4 (MANE Select); coding-DNA position 5291, G replaced by C.
Protein change: p.Gly1764Ala; replaces glycine 1764 with alanine.
Molecular consequence: missense variant.
Genome position (GRCh38, 1-based): chr1:235,777,232, C>G on the plus strand (G>C on the coding strand, the complement: LYST is on the minus strand). VCF-style: chr1-235777232-C-G. GRCh37 (hg19) VCF-style: chr1-235940532-C-G.
Other names: p.Gly1764Ala; c.5291G>C, p.Gly1764Ala (NM_001301365.1); short protein forms G1764A.
Identifiers: ClinVar variation 254926 (VCV000254926.21), dbSNP rs35413645, ClinGen allele CA1466654.